The following is an entry in ClinVar:

NM_198066.4(GNPNAT1):c.413T>C (p.Leu138Ser)

Gene: GNPNAT1 (glucosamine-phosphate N-acetyltransferase 1; minus strand). Cytogenetic location: 14q22.1.
Variant type: single nucleotide variant.
Coding change: c.413T>C on transcript NM_198066.4 (MANE Select); coding-DNA position 413, T replaced by C.
Protein change: p.Leu138Ser; replaces leucine 138 with serine.
Molecular consequence: missense variant.
Genome position (GRCh38, 1-based): chr14:52,778,453, A>G on the plus strand (T>C on the coding strand, the complement: GNPNAT1 is on the minus strand). VCF-style: chr14-52778453-A-G. GRCh37 (hg19) VCF-style: chr14-53245171-A-G.
Other names: short protein forms L138S.
Identifiers: ClinVar variation 1961859 (VCV001961859.5), dbSNP rs1479454917, ClinGen allele CA389732886.

ClinVar aggregate classification (germline): Uncertain significance (1 of 4 stars; one submission).

Allele frequency attached by ClinVar (database versions not stated): gnomAD exomes below 0.00001.
gnomAD v4.1: 3 of 1,603,414 alleles (0.00019%); highest among the groups gnomAD compares: South Asian, 0.0011%; no homozygotes.

Submission:

Labcorp Genetics (formerly Invitae), Labcorp
Classification: Uncertain significance. Last evaluated: 2022-09-29. Review status: criteria provided, single submitter. Criteria: Invitae Variant Classification Sherloc (09022015). Collection method: clinical testing. Allele origin: germline.
Comment: In summary, the available evidence is currently insufficient to determine the role of this variant in disease. Therefore, it has been classified as a Variant of Uncertain Significance. Algorithms developed to predict the effect of missense changes on protein structure and function are either unavailable or do not agree on the potential impact of this missense change (SIFT: "Deleterious"; PolyPhen-2: "Possibly Damaging"; Align-GVGD: "Class C0"). This variant has not been reported in the literature in individuals affected with GNPNAT1-related conditions. This variant is not present in population databases (gnomAD no frequency). This sequence change replaces leucine, which is neutral and non-polar, with serine, which is neutral and polar, at codon 138 of the GNPNAT1 protein (p.Leu138Ser).